The following is an entry in ClinVar:

NM_001271803.2(REEP2):c.235C>T (p.Pro79Ser)

Gene: REEP2 (receptor accessory protein 2; plus strand). Cytogenetic location: 5q31.2.
Variant type: single nucleotide variant.
Coding change: c.235C>T on transcript NM_001271803.2 (MANE Select); coding-DNA position 235, C replaced by T.
Protein change: p.Pro79Ser; replaces proline 79 with serine.
Molecular consequence: missense variant. On other transcripts: non-coding transcript variant (2).
Genome position (GRCh38, 1-based): chr5:138,444,467, C>T. VCF-style: chr5-138444467-C-T. GRCh37 (hg19) VCF-style: chr5-137780156-C-T.
Other names: c.235C>T, p.Pro79Ser (NM_016606.4); short protein forms P79S.
Identifiers: ClinVar variation 2871001 (VCV002871001.3), dbSNP rs931173096, ClinGen allele CA128192706.
Genomic context (GRCh38, chr5:138,444,467, plus strand): 5'-CCCAACAGGTTCCCCTTCTACTTTGAACTGAAGATCGCCTTCGTGATATGGCTGCTGTCC[C>T]CTTACACCAAGGGCTCCAGCGTGCTCTACCGCAAGTTCGTGCACCCAACGCTGTCCAACA-3'
Protein context (NP_001258732.1, residues 69-89): KIAFVIWLLS[Pro79Ser]YTKGSSVLYR

ClinVar aggregate classification (germline): Uncertain significance (1 of 4 stars; one submission).

Conditions:
Hereditary spastic paraplegia 72 (SPG72A). Also called: Spastic paraplegia 72, autosomal recessive. Identifiers: Orphanet 401849, MedGen C5882669, MONDO:0014282, OMIM 615625.

Allele frequency attached by ClinVar (database versions not stated): gnomAD 0.00001.

Submission:

Labcorp Genetics (formerly Invitae), Labcorp
Classification: Uncertain significance for Hereditary spastic paraplegia 72. Last evaluated: 2022-11-22. Review status: criteria provided, single submitter. Criteria: Invitae Variant Classification Sherloc (09022015). Collection method: clinical testing. Allele origin: germline.
Comment: In summary, the available evidence is currently insufficient to determine the role of this variant in disease. Therefore, it has been classified as a Variant of Uncertain Significance. Algorithms developed to predict the effect of missense changes on protein structure and function (SIFT, PolyPhen-2, Align-GVGD) all suggest that this variant is likely to be disruptive. This variant has not been reported in the literature in individuals affected with REEP2-related conditions. This variant is not present in population databases (gnomAD no frequency). This sequence change replaces proline, which is neutral and non-polar, with serine, which is neutral and polar, at codon 79 of the REEP2 protein (p.Pro79Ser).